The following is an entry in ClinVar:

ClinVar aggregate classification (germline): Uncertain significance. Review status: criteria provided, multiple submitters, no conflicts (2 of 4 stars). 4 submissions from 4 submitters: Uncertain significance (4). Last evaluated 2025-07-23.

Conditions:
SYNE1-related disorder. Also called: SYNE1-related disorders; SYNE1-related disease; SYNE1-related condition.
Emery-Dreifuss muscular dystrophy 4, autosomal dominant (EDMD4). Also called: EMERY-DREIFUSS MUSCULAR DYSTROPHY 4 WITH VARIABLE FEATURES. Identifiers: Orphanet 261, MedGen C2751807, MONDO:0013071, OMIM 612998.
Autosomal recessive ataxia, Beauce type. Also called: ATAXIA, RECESSIVE, OF BEAUCE; SYNE1 Deficiency; Spinocerebellar ataxia, autosomal recessive 8; SYNE1-Related Autosomal Recessive Cerebellar Ataxia. Identifiers: Orphanet 88644, MedGen C1853116, MONDO:0012549, OMIM 610743.

Allele frequency attached by ClinVar (database versions not stated): TOPMed 0.00001; gnomAD 0.00002; gnomAD exomes 0.00003; ExAC 0.00007; 1000 Genomes Project 30x 0.00016; 1000 Genomes Project 0.00020.
gnomAD v4.1: 42 of 1,614,072 alleles (0.0026%); highest among the groups gnomAD compares: Admixed American, 0.0083%; no homozygotes.

Submissions (4):

PreventionGenetics, part of Exact Sciences
Classification: Uncertain significance for SYNE1-related condition. Last evaluated: 2025-07-23. Review status: criteria provided, single submitter. Criteria: ACMG Guidelines, 2015. Collection method: clinical testing. Allele origin: germline.
Comment: The SYNE1 c.19450C>G variant is predicted to result in the amino acid substitution p.Pro6484Ala. To our knowledge, this variant has not been reported in the literature. This variant is reported in 0.017% of alleles in individuals of Latino descent in gnomAD. At this time, the clinical significance of this variant is uncertain due to the absence of conclusive functional and genetic evidence.

Women's Health and Genetics/Laboratory Corporation of America, LabCorp
Classification: Uncertain significance. Last evaluated: 2024-01-03. Review status: criteria provided, single submitter. Criteria: LabCorp Variant Classification Summary - May 2015. Collection method: clinical testing. Allele origin: germline.
Comment: Variant summary: SYNE1 c.19450C>G (p.Pro6484Ala) results in a non-conservative amino acid change in the encoded protein sequence. Three of four in-silico tools predict a benign effect of the variant on protein function. The variant allele was found at a frequency of 4.4e-05 in 251428 control chromosomes (gnomAD). To our knowledge, no occurrence of c.19450C>G in individuals affected with SYNE1-Related Disorders and no experimental evidence demonstrating its impact on protein function have been reported. Two submitters have cited clinical-significance assessments for this variant to ClinVar after 2014. Both submitters classified the variant as uncertain significance. Based on the evidence outlined above, the variant was classified as uncertain significance.

Revvity Omics, Revvity
Classification: Uncertain significance. Last evaluated: 2023-11-30. Review status: criteria provided, single submitter. Criteria: ACMG Guidelines, 2015. Collection method: clinical testing. Allele origin: germline.

Labcorp Genetics (formerly Invitae), Labcorp
Classification: Uncertain significance for Emery-Dreifuss muscular dystrophy 4, autosomal dominant; Autosomal recessive ataxia, Beauce type. Last evaluated: 2022-04-20. Review status: criteria provided, single submitter. Criteria: Invitae Variant Classification Sherloc (09022015). Collection method: clinical testing. Allele origin: germline.
Comment: In summary, the available evidence is currently insufficient to determine the role of this variant in disease. Therefore, it has been classified as a Variant of Uncertain Significance. Algorithms developed to predict the effect of missense changes on protein structure and function (SIFT, PolyPhen-2, Align-GVGD) all suggest that this variant is likely to be tolerated. This variant has not been reported in the literature in individuals affected with SYNE1-related conditions. This sequence change replaces proline, which is neutral and non-polar, with alanine, which is neutral and non-polar, at codon 6484 of the SYNE1 protein (p.Pro6484Ala). This variant is present in population databases (rs202133252, gnomAD 0.01%).

NM_182961.4(SYNE1):c.19663C>G (p.Pro6555Ala)

Gene: SYNE1 (spectrin repeat containing nuclear envelope protein 1; minus strand). Cytogenetic location: 6q25.2.
Variant type: single nucleotide variant.
Coding change: c.19663C>G on transcript NM_182961.4 (MANE Select); coding-DNA position 19663, C replaced by G.
Protein change: p.Pro6555Ala; replaces proline 6555 with alanine.
Molecular consequence: missense variant.
Genome position (GRCh38, 1-based): chr6:152,244,566, G>C on the plus strand (C>G on the coding strand, the complement: SYNE1 is on the minus strand). VCF-style: chr6-152244566-G-C. GRCh37 (hg19) VCF-style: chr6-152565701-G-C.
Other names: c.19450C>G, p.Pro6484Ala (NM_033071.5); short protein forms P6555A, P6484A.
Identifiers: ClinVar variation 2040937 (VCV002040937.9), dbSNP rs202133252, ClinGen allele CA4054617.